The following is an entry in ClinVar:

ClinVar aggregate classification (germline): Pathogenic/Likely pathogenic. Review status: criteria provided, multiple submitters, no conflicts (2 of 4 stars). 2 submissions from 2 submitters: Pathogenic (1); Likely pathogenic (1). Last evaluated 2025-04-03.

Conditions:
Hemochromatosis type 2A (HFE2A). Also called: HJV (HFE2)-Related Juvenile Hemochromatosis; Adult-Onset Hemochromatosis. Identifiers: Orphanet 79230, MedGen C1865614, MONDO:0011216, OMIM 602390.

Submissions (2):

Natera, Inc.
Classification: Likely pathogenic for Hemochromatosis type 2A. Last evaluated: 2025-04-03. Review status: criteria provided, single submitter. Criteria: Natera Variant Classification Schema (03/2026). Collection method: clinical testing. Allele origin: germline.
Comment: The c.765_766del variant in HJV is a frameshift variant predicted to shift the reading frame beginning at codon 256 and leads to a stop codon 13 codons downstream. This variant is expected to result in nonsense mediated decay, truncation, or a dysfunctional protein product. This variant is rare in the general population with a frequency below the threshold expected for the associated phenotype(s). Given the available evidence, this variant is classified as Likely Pathogenic.

Labcorp Genetics (formerly Invitae), Labcorp
Classification: Pathogenic. Last evaluated: 2023-11-07. Review status: criteria provided, single submitter. Criteria: Invitae Variant Classification Sherloc (09022015). Collection method: clinical testing. Allele origin: germline.
Comment: This sequence change creates a premature translational stop signal (p.Asp256Profs*13) in the HJV gene. While this is not anticipated to result in nonsense mediated decay, it is expected to disrupt the last 171 amino acid(s) of the HJV protein. This variant is present in population databases (no rsID available, gnomAD 0.002%). This variant has not been reported in the literature in individuals affected with HJV-related conditions. ClinVar contains an entry for this variant (Variation ID: 2176196). This variant disrupts a region of the HJV protein in which other variant(s) (p.Arg385*) have been determined to be pathogenic (PMID: 14982873, 30389309). This suggests that this is a clinically significant region of the protein, and that variants that disrupt it are likely to be disease-causing. For these reasons, this variant has been classified as Pathogenic.

Literature cited by the submitters: PubMed 14982873 (cited by Labcorp Genetics (formerly Invitae), Labcorp); PubMed 30389309 (cited by Labcorp Genetics (formerly Invitae), Labcorp).

NM_213653.4(HJV):c.765_766del (p.Asp256fs)

Gene: HJV (hemojuvelin BMP co-receptor; minus strand). Cytogenetic location: 1q21.1.
Variant type: Deletion.
Coding change: c.765_766del on transcript NM_213653.4 (MANE Select); coding-DNA positions 765 to 766, 2 bases deleted (TG; older notation c.765_766delTG).
Protein change: p.Asp256fs; shifts the reading frame from aspartic acid 256.
Molecular consequence: frameshift variant.
Genome position (GRCh38, 1-based): chr1:146,018,592-146,018,593, CA deleted on the plus strand (TG on the coding strand, the reverse complement: HJV is on the minus strand); deleting any 2 consecutive bases within chr1:146,018,592-146,018,594 gives the same sequence; the c. name uses the placement nearest the transcript's 3' end. VCF-style (leftmost placement, unchanged base first): chr1-146018591-TCA-T. GRCh37 (hg19) VCF-style: chr1-145416418-GGT-G.
Other names: c.87_88del, p.Asp30fs (NM_001316767.2, NM_202004.4, NM_213652.4); c.765_766del, p.Asp256fs (NM_001379352.1); c.426_427del, p.Asp143fs (NM_145277.5); c.765_766del (NM_213653.3); short protein forms D30fs, D143fs, D256fs.
Identifiers: ClinVar variation 2176196 (VCV002176196.6), dbSNP rs1433104741, ClinGen allele CA342137180.